The following is an entry in ClinVar:

NM_001204.7(BMPR2):c.80C>T (p.Ser27Leu)

Gene: BMPR2 (bone morphogenetic protein receptor type 2; plus strand). Cytogenetic location: 2q33.1.
Variant type: single nucleotide variant.
Coding change: c.80C>T on transcript NM_001204.7 (MANE Select); coding-DNA position 80, C replaced by T.
Protein change: p.Ser27Leu; replaces serine 27 with leucine.
Molecular consequence: missense variant.
Genome position (GRCh38, 1-based): chr2:202,464,812, C>T. VCF-style: chr2-202464812-C-T. GRCh37 (hg19) VCF-style: chr2-203329535-C-T.
Other names: short protein forms S27L.
Identifiers: ClinVar variation 2155534 (VCV002155534.6), dbSNP rs573463511, ClinGen allele CA2061031.
Genomic context (GRCh38, chr2:202,464,812, plus strand): 5'-ATATAATATTTTGAAAACATTAAATAATTTGTCATTCCTTTATTTCCTTTATTTTAGCTT[C>T]GCAGAATCAAGAACGGCTATGTGCGTTTAAAGATCCGTATCAGCAAGACCTTGGGATAGG-3'
Protein context (NP_001195.2, residues 17-37): TILLVSTAAA[Ser27Leu]QNQERLCAFK

ClinVar aggregate classification (germline): Conflicting classifications of pathogenicity. Review status: criteria provided, conflicting classifications (1 of 4 stars). 3 submissions from 3 submitters: Uncertain significance (2); Likely benign (1). Last evaluated 2024-12-12.

Conditions:
Primary pulmonary hypertension. Also called: Idiopathic pulmonary hypertension. Identifiers: MedGen C0152171.
Inborn genetic diseases. Identifiers: MedGen C0950123, MeSH D030342.
Pulmonary hypertension, primary, 1 (PPH1). Also called: Pulmonary hypertension, familial primary, 1, with or without HHT. Identifiers: Orphanet 422, MedGen C4552070, MONDO:0024533, OMIM 178600.
Pulmonary venoocclusive disease 1 (PVOD1). Also called: Pulmonary venoocclusive disease 1, autosomal dominant. Identifiers: Orphanet 31837, MedGen C3887658, MONDO:0020713, OMIM 265450.

Allele frequency attached by ClinVar (database versions not stated): gnomAD exomes 0.00002; TOPMed 0.00005; gnomAD 0.00007; 1000 Genomes Project 0.00040; ExAC 0.00002; 1000 Genomes Project 30x 0.00047.
gnomAD v4.1: 31 of 1,609,828 alleles (0.0019%); highest among the groups gnomAD compares: Admixed American, 0.022%; no homozygotes.

Submissions (3):

Ambry Genetics
Classification: Uncertain significance for Inborn genetic diseases. Last evaluated: 2024-12-12. Review status: criteria provided, single submitter. Criteria: Ambry Variant Classification Scheme 2023. Collection method: clinical testing. Allele origin: germline.
Comment: The p.S27L variant (also known as c.80C>T), located in coding exon 2 of the BMPR2 gene, results from a C to T substitution at nucleotide position 80. The serine at codon 27 is replaced by leucine, an amino acid with dissimilar properties. This amino acid position is conserved. In addition, the in silico prediction for this alteration is inconclusive. Based on the available evidence, the clinical significance of this variant remains unclear.

Fulgent Genetics
Classification: Uncertain significance for Pulmonary hypertension, primary, 1; Pulmonary venoocclusive disease 1. Last evaluated: 2024-05-24. Review status: criteria provided, single submitter. Criteria: ACMG Guidelines, 2015. Collection method: clinical testing. Allele origin: germline.

Labcorp Genetics (formerly Invitae), Labcorp
Classification: Likely benign for Primary pulmonary hypertension. Last evaluated: 2023-05-07. Review status: criteria provided, single submitter. Criteria: Invitae Variant Classification Sherloc (09022015). Collection method: clinical testing. Allele origin: germline.